The following is an entry in ClinVar:

NM_001349253.2(SCN11A):c.1699AAG[1] (p.Lys568del)

Gene: SCN11A (sodium voltage-gated channel alpha subunit 11; minus strand). Cytogenetic location: 3p22.2.
Variant type: Microsatellite.
Coding change: c.1699AAG[1] on transcript NM_001349253.2 (MANE Select); one copy of the 3-base unit AAG starting at c.1699; the reference has two copies in a row; one copy, 3 bases deleted.
Protein change: p.Lys568del; deletes lysine 568.
Molecular consequence: inframe deletion.
Genome position (GRCh38, 1-based): chr3:38,904,003-38,904,005, CTT deleted on the plus strand (AAG on the coding strand, the reverse complement: SCN11A is on the minus strand); deleting any 3 consecutive bases within chr3:38,904,003-38,904,008 gives the same sequence; the position shown is the placement nearest the transcript's 3' end. VCF-style (leftmost placement, unchanged base first): chr3-38904002-CCTT-C. GRCh37 (hg19) VCF-style: chr3-38945493-CCTT-C.
Other names: c.1699AAG[1], p.Lys568del (NM_014139.3); short protein forms K568del.
Identifiers: ClinVar variation 1512492 (VCV001512492.8), dbSNP rs2126124656, ClinGen allele CA2580614213.

ClinVar aggregate classification (germline): Uncertain significance (1 of 4 stars; one submission).

Conditions:
Hereditary sensory and autonomic neuropathy type 7. Also called: Neuropathy, hereditary sensory and autonomic, type VII; HSAN VII. Identifiers: Orphanet 391397, MedGen C3809882, MONDO:0014244, OMIM 615548.
Familial episodic pain syndrome with predominantly lower limb involvement. Also called: Episodic pain syndrome, familial, 3. Identifiers: Orphanet 391384, Orphanet 391392, MedGen C3809899, MONDO:0014247, OMIM 615552.

Submission:

Labcorp Genetics (formerly Invitae), Labcorp
Classification: Uncertain significance for Familial episodic pain syndrome with predominantly lower limb involvement; Hereditary sensory and autonomic neuropathy type 7. Last evaluated: 2021-06-13. Review status: criteria provided, single submitter. Criteria: Invitae Variant Classification Sherloc (09022015). Collection method: clinical testing. Allele origin: germline.
Comment: In summary, the available evidence is currently insufficient to determine the role of this variant in disease. Therefore, it has been classified as a Variant of Uncertain Significance. Experimental studies and prediction algorithms are not available or were not evaluated, and the functional significance of this variant is currently unknown. This variant has not been reported in the literature in individuals with SCN11A-related conditions. This variant is not present in population databases (ExAC no frequency). This variant, c.1702_1704del, results in the deletion of 1 amino acid(s) of the SCN11A protein (p.Lys568del), but otherwise preserves the integrity of the reading frame.